The following is an entry in ClinVar:

ClinVar aggregate classification (germline): Conflicting classifications of pathogenicity. Review status: criteria provided, conflicting classifications (1 of 4 stars). 3 submissions from 3 submitters: Uncertain significance (2); Likely benign (1). Last evaluated 2025-11-17.

Conditions:
Hereditary cancer-predisposing syndrome. Also called: Hereditary Cancer Syndrome; Neoplastic Syndromes, Hereditary; Tumor predisposition; Hereditary neoplastic syndrome. Identifiers: Orphanet 140162, MedGen C0027672, MeSH D009386, MONDO:0015356.
Hereditary breast ovarian cancer syndrome. Also called: Hereditary breast and ovarian cancer syndrome; Hereditary breast and ovarian cancer; Hereditary breast and ovarian cancer syndrome (HBOC); Breast and ovarian cancer; Hereditary breast and/or ovarian cancer syndrome; BRCA1- and BRCA2-Associated Hereditary Breast and Ovarian Cancer. Identifiers: Orphanet 145, MedGen C0677776, MeSH D061325, MONDO:0003582. Disease mechanism: loss of function.

Allele frequency attached by ClinVar (database versions not stated): gnomAD exomes below 0.00001.
gnomAD v4.1: 1 of 1,614,192 alleles (0.000062%); highest among the groups gnomAD compares: South Asian, 0.0011%; no homozygotes.

Submissions (3):

Labcorp Genetics (formerly Invitae), Labcorp
Classification: Uncertain significance for Hereditary breast ovarian cancer syndrome. Last evaluated: 2025-11-17. Review status: criteria provided, single submitter. Criteria: Invitae Variant Classification Sherloc (09022015). Collection method: clinical testing. Allele origin: germline.
Comment: This sequence change replaces isoleucine, which is neutral and non-polar, with threonine, which is neutral and polar, at codon 1318 of the BRCA1 protein (p.Ile1318Thr). This variant is present in population databases (no rsID available, gnomAD 0.003%). This variant has not been reported in the literature in individuals affected with BRCA1-related conditions. ClinVar contains an entry for this variant (Variation ID: 481166). Invitae Evidence Modeling of protein sequence and biophysical properties (such as structural, functional, and spatial information, amino acid conservation, physicochemical variation, residue mobility, and thermodynamic stability) indicates that this missense variant is not expected to disrupt BRCA1 protein function with a negative predictive value of 80%. In summary, the available evidence is currently insufficient to determine the role of this variant in disease. Therefore, it has been classified as a Variant of Uncertain Significance.

Ambry Genetics
Classification: Uncertain significance for Hereditary cancer-predisposing syndrome. Last evaluated: 2025-09-29. Review status: criteria provided, single submitter. Criteria: Ambry Variant Classification Scheme 2023. Collection method: clinical testing. Allele origin: germline.
Comment: The p.I1318T variant (also known as c.3953T>C), located in coding exon 9 of the BRCA1 gene, results from a T to C substitution at nucleotide position 3953. The isoleucine at codon 1318 is replaced by threonine, an amino acid with similar properties. This amino acid position is not well conserved in available vertebrate species. In addition, the in silico prediction for this alteration is inconclusive. Since supporting evidence is limited at this time, the clinical significance of this alteration remains unclear.

University of Washington Department of Laboratory Medicine, University of Washington
Classification: Likely benign for Hereditary cancer-predisposing syndrome. Last evaluated: 2023-03-23. Review status: criteria provided, single submitter. Criteria: Dines et al. (Genet Med. 2020). Collection method: curation. Allele origin: germline.
Comment: Missense variant in a coldspot region where missense variants are very unlikely to be pathogenic (PMID:31911673).

BRCA1 coldspot (exon 11 using historical exon numbering). Reclassification based on statistical prior probability

NM_007294.4(BRCA1):c.3953T>C (p.Ile1318Thr)

Genes: BRCA1 (BRCA1 DNA repair associated; minus strand), LOC126862571 (BRD4-independent group 4 enhancer GRCh37_chr17:41243136-41244335; plus strand). Cytogenetic location: 17q21.31.
Variant type: single nucleotide variant.
Coding change: c.3953T>C on transcript NM_007294.4 (MANE Select); coding-DNA position 3953, T replaced by C.
Protein change: p.Ile1318Thr; replaces isoleucine 1318 with threonine.
Molecular consequence: missense variant. On other transcripts: intron variant (135).
Genome position (GRCh38, 1-based): chr17:43,091,578, A>G on the plus strand (T>C on the coding strand, the complement: BRCA1 is on the minus strand). VCF-style: chr17-43091578-A-G. GRCh37 (hg19) VCF-style: chr17-41243595-A-G.
Other names: c.3812T>C, p.Ile1271Thr (NM_001407851.1, NM_001407852.1, NM_001407850.1 and 29 more transcripts); c.665-546T>C (NM_001408439.1, NM_001408425.1, NM_001408436.1 and 12 more transcripts); c.3953T>C, p.Ile1318Thr (NM_001407583.1, NM_001407593.1, NM_001407585.1 and 30 more transcripts); c.3950T>C, p.Ile1317Thr (NM_001407590.1, NM_001407591.1, NM_001407587.1 and 22 more transcripts); c.671-546T>C (NM_001408419.1, NM_001408423.1, NM_001408420.1 and 2 more transcripts); c.788-546T>C (NM_001407983.1, NM_001407975.1, NM_001407971.1 and 17 more transcripts); c.791-555T>C (NM_001408406.1); c.647-546T>C (NM_001408456.1, NM_001408458.1, NM_001408469.1 and 11 more transcripts); and 41 more; short protein forms I1318T, I1271T, I1150T, I1191T, I1230T, I1251T, I1270T, I1276T.
Identifiers: ClinVar variation 481166 (VCV000481166.18), dbSNP rs1388475291, ClinGen allele CA10594054.